The following is an entry in ClinVar:

ClinVar aggregate classification (germline): Likely pathogenic. Review status: criteria provided, multiple submitters, no conflicts (2 of 4 stars). 3 submissions from 3 submitters: Likely pathogenic (3). Last evaluated 2024-08-31.

Conditions:
RYR2-related disorder. Also called: RYR2-related condition.
Catecholaminergic polymorphic ventricular tachycardia 1. Also called: VENTRICULAR TACHYCARDIA, CATECHOLAMINERGIC POLYMORPHIC, 1, WITH OR WITHOUT ATRIAL DYSFUNCTION AND/OR DILATED CARDIOMYOPATHY; VENTRICULAR TACHYCARDIA, STRESS-INDUCED POLYMORPHIC 1; RYR2-Related Catecholaminergic Polymorphic Ventricular Tachycardia. Identifiers: Orphanet 3286, MedGen C1631597, MONDO:0011484, OMIM 604772.

Submissions (3):

Labcorp Genetics (formerly Invitae), Labcorp
Classification: Likely pathogenic for Catecholaminergic polymorphic ventricular tachycardia 1. Last evaluated: 2024-08-31. Review status: criteria provided, single submitter. Criteria: Invitae Variant Classification Sherloc (09022015). Collection method: clinical testing. Allele origin: germline.
Comment: This sequence change replaces proline, which is neutral and non-polar, with serine, which is neutral and polar, at codon 4090 of the RYR2 protein (p.Pro4090Ser). This variant is not present in population databases (gnomAD no frequency). This variant has not been reported in the literature in individuals affected with RYR2-related conditions. ClinVar contains an entry for this variant (Variation ID: 201324). Invitae Evidence Modeling of protein sequence and biophysical properties (such as structural, functional, and spatial information, amino acid conservation, physicochemical variation, residue mobility, and thermodynamic stability) indicates that this missense variant is expected to disrupt RYR2 protein function with a positive predictive value of 95%. This variant disrupts the p.Pro4090 amino acid residue in RYR2. Other variant(s) that disrupt this residue have been determined to be pathogenic (internal data). This suggests that this residue is clinically significant, and that variants that disrupt this residue are likely to be disease-causing. In summary, the currently available evidence indicates that the variant is pathogenic, but additional data are needed to prove that conclusively. Therefore, this variant has been classified as Likely Pathogenic.

Blueprint Genetics
Classification: Likely pathogenic for RYR2-related disorders. Last evaluated: 2022-08-31. Review status: criteria provided, single submitter. Criteria: ACMG Guidelines, 2015. Collection method: clinical testing. Allele origin: germline. Affected: yes. Observed: 1 variant allele.

GeneDx
Classification: Likely pathogenic. Last evaluated: 2014-06-26. Review status: criteria provided, single submitter. Criteria: GeneDx Variant Classification (06012015). Collection method: clinical testing. Allele origin: germline. Affected: yes.
Comment: p.Pro4090Ser (CCT>TCT): c.12268 C>T in exon 90 of the RYR2 gene (NM_001035.2). The P4090S variant in the RYR2 gene has not been reported as a disease-causing mutation or as a benign polymorphism to our knowledge. Pro4090Ser was not observed in approximately 6,000 individuals of European and African American ancestry in the NHLBI Exome Sequencing Project, indicating it is not a common benign variant in these populations. P4090S results in the removal of a sterically constrained Proline at a position that is well conserved across species and is located in one of the mutation hot-spot regions in the RYR2 gene (Medeiros- Domingo A et al., 2009). Mutations in nearby residues (A4091V, A4091T) have been reported in association with CPVT, further supporting the functional importance of this region of the protein. Additionally, in silico analysis predicts P4090S is damaging to the protein structure/function. Therefore, this variant is a strong candidate for a pathogenic mutation, however the possibility that it is a benign variant cannot be excluded. The variant is found in CPVT,ARRHYTHMIA panel(s).

NM_001035.3(RYR2):c.12268C>T (p.Pro4090Ser)

Gene: RYR2 (ryanodine receptor 2; plus strand). Cytogenetic location: 1q43.
Variant type: single nucleotide variant.
Coding change: c.12268C>T on transcript NM_001035.3 (MANE Select); coding-DNA position 12268, C replaced by T.
Protein change: p.Pro4090Ser; replaces proline 4090 with serine.
Molecular consequence: missense variant.
Genome position (GRCh38, 1-based): chr1:237,783,980, C>T. VCF-style: chr1-237783980-C-T. GRCh37 (hg19) VCF-style: chr1-237947280-C-T.
Other names: p.P4090S:CCT>TCT; c.12268C>T, p.Pro4090Ser (LRG_402t1); short protein forms P4090S.
Identifiers: ClinVar variation 201324 (VCV000201324.12), dbSNP rs794728782, ClinGen allele CA007392.